The following is an entry in ClinVar:

NM_015656.2(KIF26A):c.4195G>T (p.Glu1399Ter)

Gene: KIF26A (kinesin family member 26A; plus strand). Cytogenetic location: 14q32.33.
Variant type: single nucleotide variant.
Coding change: c.4195G>T on transcript NM_015656.2 (MANE Select); coding-DNA position 4195, G replaced by T.
Protein change: p.Glu1399Ter; replaces glutamic acid 1399 with a stop codon.
Molecular consequence: nonsense.
Genome position (GRCh38, 1-based): chr14:104,176,983, G>T. VCF-style: chr14-104176983-G-T. GRCh37 (hg19) VCF-style: chr14-104643320-G-T.
Other names: short protein forms E1399*.
Identifiers: ClinVar variation 5005287 (VCV005005287.2).

ClinVar aggregate classification (germline): Likely pathogenic (1 of 4 stars; one submission).

Conditions:
Cortical dysplasia, complex, with other brain malformations 11 (CDCBM11). Identifiers: MedGen C5774270, MONDO:0859332, OMIM 620156.

Submission:

Juno Genomics, Hangzhou Juno Genomics, Inc
Classification: Likely pathogenic for Cortical dysplasia, complex, with other brain malformations 11. Review status: criteria provided, single submitter. Criteria: ACMG Guidelines, 2015. Collection method: clinical testing. Allele origin: germline.
Comment: Null variant in a gene where loss of function (LOF) is a known mechanism of disease.;Absent from controls (or at extremely low frequency if recessive) in Genome Aggregation Database.